The following is an entry in ClinVar:

NM_003680.4(YARS1):c.1571G>A (p.Gly524Glu)

Gene: YARS1 (tyrosyl-tRNA synthetase 1; minus strand). Cytogenetic location: 1p35.1.
Variant type: single nucleotide variant.
Coding change: c.1571G>A on transcript NM_003680.4 (MANE Select); coding-DNA position 1571, G replaced by A.
Protein change: p.Gly524Glu; replaces glycine 524 with glutamic acid.
Molecular consequence: missense variant.
Genome position (GRCh38, 1-based): chr1:32,775,997, C>T on the plus strand (G>A on the coding strand, the complement: YARS1 is on the minus strand). VCF-style: chr1-32775997-C-T. GRCh37 (hg19) VCF-style: chr1-33241598-C-T.
Other names: p.Gly524Glu; short protein forms G524E.
Identifiers: ClinVar variation 2683776 (VCV002683776.3), dbSNP rs201687117, ClinGen allele CA744857.

ClinVar aggregate classification (germline): Uncertain significance. Review status: criteria provided, multiple submitters, no conflicts (2 of 4 stars). 2 submissions from 2 submitters: Uncertain significance (2). Last evaluated 2024-06-17.

Conditions:
Charcot-Marie-Tooth disease dominant intermediate C (CMTDIC). Also called: CHARCOT-MARIE-TOOTH NEUROPATHY, DOMINANT INTERMEDIATE C. Identifiers: Orphanet 100045, MedGen C1842237, MONDO:0012012, OMIM 608323.

gnomAD v4.1: 12 of 1,613,954 alleles (0.00074%); highest among the groups gnomAD compares: South Asian, 0.0077%; no homozygotes.

Submissions (2):

Labcorp Genetics (formerly Invitae), Labcorp
Classification: Uncertain significance for Charcot-Marie-Tooth disease dominant intermediate C. Last evaluated: 2024-06-17. Review status: criteria provided, single submitter. Criteria: Invitae Variant Classification Sherloc (09022015). Collection method: clinical testing. Allele origin: germline.
Comment: This sequence change replaces glycine, which is neutral and non-polar, with glutamic acid, which is acidic and polar, at codon 524 of the YARS protein (p.Gly524Glu). This variant is present in population databases (rs201687117, gnomAD 0.01%). This variant has not been reported in the literature in individuals affected with YARS-related conditions. Advanced modeling of protein sequence and biophysical properties (such as structural, functional, and spatial information, amino acid conservation, physicochemical variation, residue mobility, and thermodynamic stability) performed at Invitae indicates that this missense variant is not expected to disrupt YARS protein function with a negative predictive value of 80%. In summary, the available evidence is currently insufficient to determine the role of this variant in disease. Therefore, it has been classified as a Variant of Uncertain Significance.

Mayo Clinic Laboratories, Mayo Clinic
Classification: Uncertain significance. Last evaluated: 2022-08-19. Review status: criteria provided, single submitter. Criteria: ACMG Guidelines, 2015. Collection method: clinical testing. Allele origin: germline. Observed: 1 variant allele.